The following is an entry in ClinVar:

ClinVar aggregate classification (germline): Uncertain significance (1 of 4 stars; one submission).

Conditions:
Arrhythmogenic cardiomyopathy with wooly hair and keratoderma. Also called: PALMOPLANTAR KERATODERMA WITH LEFT VENTRICULAR CARDIOMYOPATHY AND WOOLLY HAIR; Carvajal syndrome; Dilated cardiomyopathy with woolly hair and keratoderma; Arrhythmogenic cardiomyopathy with woolly hair and keratoderma. Identifiers: Orphanet 65282, MedGen C1854063, MONDO:0011581, OMIM 605676.

Submission:

All of Us Research Program, National Institutes of Health
Classification: Uncertain significance for Arrhythmogenic cardiomyopathy with wooly hair and keratoderma. Last evaluated: 2024-08-06. Review status: criteria provided, single submitter. Criteria: ACMG Guidelines, 2015. Collection method: clinical testing. Allele origin: germline. Inheritance: Autosomal dominant inheritance. Observed: 2 variant alleles, 2 heterozygotes.
Comment: This missense variant replaces methionine with threonine at codon 1719 of the DSP protein. Computational prediction suggests that this variant may not impact protein structure and function (internally defined REVEL score threshold <= 0.5, PMID: 27666373). To our knowledge, functional studies have not been reported for this variant. This variant has not been reported in individuals affected with DSP-related disorders in the literature. This variant has not been identified in the general population by the Genome Aggregation Database (gnomAD). The available evidence is insufficient to determine the role of this variant in disease conclusively. Therefore, this variant is classified as a Variant of Uncertain Significance.

This study involves interpretation of variants in research participants for the purpose of population health screening. Participant phenotype was not available at the time of variant classification. Additional details can be found in publication PMID: 35346344, PMCID: PMC8962531

NM_004415.4(DSP):c.5156T>C (p.Met1719Thr)

Gene: DSP (desmoplakin; plus strand). Cytogenetic location: 6p24.3.
Variant type: single nucleotide variant.
Coding change: c.5156T>C on transcript NM_004415.4 (MANE Select); coding-DNA position 5156, T replaced by C.
Protein change: p.Met1719Thr; replaces methionine 1719 with threonine.
Molecular consequence: missense variant. On other transcripts: intron variant (2).
Genome position (GRCh38, 1-based): chr6:7,581,346, T>C. VCF-style: chr6-7581346-T-C. GRCh37 (hg19) VCF-style: chr6-7581579-T-C.
Other names: c.4050+1106T>C (NM_001319034.2); c.3583-1296T>C (NM_001008844.3); short protein forms M1719T.
Identifiers: ClinVar variation 3072676 (VCV003072676.2), dbSNP rs2533931839, ClinGen allele CA362687979.
Genomic context (GRCh38, chr6:7,581,346, plus strand): 5'-GCAAAATAGAAATTGAGAGGCTGCAGTCTCTCACAGAGAACCTGACCAAGGAGCACTTGA[T>C]GTTAGAAGAAGAACTGCGGAACCTGAGGCTGGAGTACGATGACCTGAGGAGAGGACGAAG-3'
Protein context (NP_004406.2, residues 1709-1729): LTENLTKEHL[Met1719Thr]LEEELRNLRL